The following is an entry in ClinVar:

ClinVar aggregate classification (germline): Pathogenic/Likely pathogenic. Review status: criteria provided, multiple submitters, no conflicts (2 of 4 stars). 2 submissions from 2 submitters: Pathogenic (1); Likely pathogenic (1). Last evaluated 2024-02-23.

Conditions:
Combined deficiency of sialidase AND beta galactosidase (GSL). Also called: CATHEPSIN A DEFICIENCY; GOLDBERG SYNDROME; NEURAMINIDASE DEFICIENCY WITH BETA-GALACTOSIDASE DEFICIENCY; NEURAMINIDASE/BETA-GALACTOSIDASE EXPRESSION; PPCA DEFICIENCY; PROTECTIVE PROTEIN/CATHEPSIN A DEFICIENCY. Identifiers: Orphanet 351, MedGen C0268233, MONDO:0009737, OMIM 256540.

gnomAD v4.1: 3 of 1,614,038 alleles (0.00019%); highest among the groups gnomAD compares: East Asian, 0.0022%; no homozygotes.

Submissions (2):

Fulgent Genetics
Classification: Likely pathogenic for Combined deficiency of sialidase AND beta galactosidase. Last evaluated: 2024-02-23. Review status: criteria provided, single submitter. Criteria: ACMG Guidelines, 2015. Collection method: clinical testing. Allele origin: germline.

Labcorp Genetics (formerly Invitae), Labcorp
Classification: Pathogenic for Combined deficiency of sialidase AND beta galactosidase. Last evaluated: 2023-11-17. Review status: criteria provided, single submitter. Criteria: Invitae Variant Classification Sherloc (09022015). Collection method: clinical testing. Allele origin: germline.
Comment: This sequence change creates a premature translational stop signal (p.Gln387*) in the CTSA gene. It is expected to result in an absent or disrupted protein product. Loss-of-function variants in CTSA are known to be pathogenic (PMID: 15110321, 23915561). This variant is not present in population databases (gnomAD no frequency). This variant has not been reported in the literature in individuals affected with CTSA-related conditions. Algorithms developed to predict the effect of sequence changes on RNA splicing suggest that this variant may disrupt the consensus splice site. For these reasons, this variant has been classified as Pathogenic.

Literature cited by the submitters: PubMed 15110321 (cited by Labcorp Genetics (formerly Invitae), Labcorp); PubMed 23915561 (cited by Labcorp Genetics (formerly Invitae), Labcorp).

NM_000308.4(CTSA):c.1105C>T (p.Gln369Ter)

Gene: CTSA (cathepsin A; plus strand). Cytogenetic location: 20q13.12.
Variant type: single nucleotide variant.
Coding change: c.1105C>T on transcript NM_000308.4 (MANE Select); coding-DNA position 1105, C replaced by T.
Protein change: p.Gln369Ter; replaces glutamine 369 with a stop codon.
Molecular consequence: nonsense. On other transcripts: non-coding transcript variant (1).
Genome position (GRCh38, 1-based): chr20:45,896,981, C>T. VCF-style: chr20-45896981-C-T. GRCh37 (hg19) VCF-style: chr20-44525620-C-T.
Other names: c.1105C>T, p.Gln369Ter (NM_001127695.3); c.1054C>T, p.Gln352Ter (NM_001167594.3); short protein forms Q352*, Q369*.
Identifiers: ClinVar variation 3015983 (VCV003015983.4), dbSNP rs2515445641, ClinGen allele CA409253246.